The following is an entry in ClinVar:

ClinVar aggregate classification (germline): Pathogenic (1 of 4 stars; one submission).

Conditions:
Gorlin syndrome. Also called: Nevoid Basal Cell Carcinoma Syndrome; Basal cell nevus syndrome. Identifiers: Orphanet 377, MedGen C0004779, MONDO:0007187.

Submission:

Labcorp Genetics (formerly Invitae), Labcorp
Classification: Pathogenic for Gorlin syndrome. Last evaluated: 2025-01-15. Review status: criteria provided, single submitter. Criteria: Invitae Variant Classification Sherloc (09022015). Collection method: clinical testing. Allele origin: germline.
Comment: This sequence change affects a donor splice site in intron 10 of the PTCH1 gene. It is expected to disrupt RNA splicing. Variants that disrupt the donor or acceptor splice site typically lead to a loss of protein function (PMID: 16199547), and loss-of-function variants in PTCH1 are known to be pathogenic (PMID: 16301862, 16419085). This variant is not present in population databases (gnomAD no frequency). Disruption of this splice site has been observed in individuals with clinical features of basal cell nevus syndrome (BCNS) (PMID: 35437209; internal data). ClinVar contains an entry for this variant (Variation ID: 1479243). Algorithms developed to predict the effect of sequence changes on RNA splicing suggest that this variant may disrupt the consensus splice site. For these reasons, this variant has been classified as Pathogenic.

Literature cited by the submitters: PubMed 16199547; PubMed 16301862; PubMed 16419085; PubMed 35437209.

NM_000264.5(PTCH1):c.1503+1G>T

Gene: PTCH1 (patched 1; minus strand). Cytogenetic location: 9q22.32.
Variant type: single nucleotide variant.
Coding change: c.1503+1G>T on transcript NM_000264.5 (MANE Select); the canonical splice donor site of the intron after coding-DNA position 1503, G replaced by T.
Molecular consequence: splice donor variant. On other transcripts: intron variant (1).
Genome position (GRCh38, 1-based): chr9:95,477,546, C>A on the plus strand (G>T on the coding strand, the complement: PTCH1 is on the minus strand). VCF-style: chr9-95477546-C-A. GRCh37 (hg19) VCF-style: chr9-98239828-C-A.
Other names: c.1500+1G>T (NM_001083603.3); c.1305+1G>T (NM_001083602.3); c.1347+509G>T (NM_001354918.2); c.1050+1G>T (NM_001083605.3, NM_001083604.3, NM_001083606.3 and 1 more transcripts).
Identifiers: ClinVar variation 1479243 (VCV001479243.8), dbSNP rs864622293, ClinGen allele CA374118367.